The following is an entry in ClinVar:

NM_024753.5(TTC21B):c.3659T>C (p.Leu1220Ser)

Gene: TTC21B (tetratricopeptide repeat domain 21B; minus strand). Cytogenetic location: 2q24.3.
Variant type: single nucleotide variant.
Coding change: c.3659T>C on transcript NM_024753.5 (MANE Select); coding-DNA position 3659, T replaced by C.
Protein change: p.Leu1220Ser; replaces leucine 1220 with serine.
Molecular consequence: missense variant.
Genome position (GRCh38, 1-based): chr2:165,883,819, A>G on the plus strand (T>C on the coding strand, the complement: TTC21B is on the minus strand). VCF-style: chr2-165883819-A-G. GRCh37 (hg19) VCF-style: chr2-166740329-A-G.
Other names: short protein forms L1220S.
Identifiers: ClinVar variation 5000927 (VCV005000927.1).

ClinVar aggregate classification (germline): Uncertain significance (1 of 4 stars; one submission).

Conditions:
TTC21B-related disorder. Also called: TTC21B-related disorders; TTC21B-related condition.

gnomAD v4.1: 2 of 1,613,908 alleles (0.00012%); highest among the groups gnomAD compares: South Asian, 0.0011%; no homozygotes.

Submission:

PreventionGenetics, part of Exact Sciences
Classification: Uncertain significance for TTC21B-related condition. Last evaluated: 2025-06-20. Review status: criteria provided, single submitter. Criteria: ACMG Guidelines, 2015. Collection method: clinical testing. Allele origin: germline.
Comment: The TTC21B c.3659T>C variant is predicted to result in the amino acid substitution p.Leu1220Ser. To our knowledge, this variant has not been reported in the literature or in a large population database (gnomAD), indicating this variant is rare. At this time, the clinical significance of this variant is uncertain due to the absence of conclusive functional and genetic evidence.